The following is an entry in ClinVar:

ClinVar aggregate classification (germline): Uncertain significance (1 of 4 stars; one submission).

Conditions:
Mitochondrial DNA depletion syndrome, encephalomyopathic form with methylmalonic aciduria (MTDPS5). Also called: SUCLA2-Related Mitochondrial DNA Depletion Syndrome, Encephalomyopathic Form with Methylmalonic Aciduria; Mitochondrial encephalomyopathy aminoacidopathy; MITOCHONDRIAL DNA DEPLETION SYNDROME, ENCEPHALOMYOPATHIC FORM, WITH OR WITHOUT METHYLMALONIC ACIDURIA, AUTOSOMAL RECESSIVE, SUCLA2-RELATED; Mitochondrial DNA depletion syndrome 5 (encephalomyopathic with or without methylmalonic aciduria). Identifiers: Orphanet 1933, MedGen C5980207, MONDO:0012791, OMIM 612073.

Allele frequency attached by ClinVar (database versions not stated): gnomAD exomes 0.00002.
gnomAD v4.1: 28 of 1,613,754 alleles (0.0017%); highest among the groups gnomAD compares: Non-Finnish European, 0.0022%; no homozygotes.

Submission:

Labcorp Genetics (formerly Invitae), Labcorp
Classification: Uncertain significance for Mitochondrial DNA depletion syndrome, encephalomyopathic form with methylmalonic aciduria. Last evaluated: 2022-08-23. Review status: criteria provided, single submitter. Criteria: Invitae Variant Classification Sherloc (09022015). Collection method: clinical testing. Allele origin: germline.
Comment: In summary, the available evidence is currently insufficient to determine the role of this variant in disease. Therefore, it has been classified as a Variant of Uncertain Significance. Algorithms developed to predict the effect of missense changes on protein structure and function are either unavailable or do not agree on the potential impact of this missense change (SIFT: "Deleterious"; PolyPhen-2: "Possibly Damaging"; Align-GVGD: "Class C15"). This variant has not been reported in the literature in individuals affected with SUCLA2-related conditions. This variant is not present in population databases (gnomAD no frequency). This sequence change replaces leucine, which is neutral and non-polar, with phenylalanine, which is neutral and non-polar, at codon 443 of the SUCLA2 protein (p.Leu443Phe).

NM_003850.3(SUCLA2):c.1327C>T (p.Leu443Phe)

Gene: SUCLA2 (succinate-CoA ligase ADP-forming subunit beta; minus strand). Cytogenetic location: 13q14.2.
Variant type: single nucleotide variant.
Coding change: c.1327C>T on transcript NM_003850.3 (MANE Select); coding-DNA position 1327, C replaced by T.
Protein change: p.Leu443Phe; replaces leucine 443 with phenylalanine.
Molecular consequence: missense variant.
Genome position (GRCh38, 1-based): chr13:47,943,436, G>A on the plus strand (C>T on the coding strand, the complement: SUCLA2 is on the minus strand). VCF-style: chr13-47943436-G-A. GRCh37 (hg19) VCF-style: chr13-48517571-G-A.
Other names: short protein forms L443F.
Identifiers: ClinVar variation 1898659 (VCV001898659.5), dbSNP rs2541662774, ClinGen allele CA388249095.
Genomic context (GRCh38, chr13:47,943,436, plus strand): 5'-TTGGCAACTGAAATTTCACATCCACATGTGCTTGCTTCGCTAAGGTCACTATTTCAGAGA[G>A]CTTTACAACCTAAAAGAAAAGAACGAAGAATTTTCACAAAAAGGTAAATTCAGAACTACA-3'
Protein context (NP_003841.1, residues 433-453): LDEAARMVVK[Leu443Phe]SEIVTLAKQA